The following is an entry in ClinVar:

ClinVar aggregate classification (germline): Uncertain significance (1 of 4 stars; one submission).

gnomAD v4.1: 4 of 1,614,034 alleles (0.00025%); highest among the groups gnomAD compares: Non-Finnish European, 0.00034%; no homozygotes.

Submission:

GeneDx
Classification: Uncertain significance. Last evaluated: 2023-04-30. Review status: criteria provided, single submitter. Criteria: GeneDx Variant Classification Process June 2021. Collection method: clinical testing. Allele origin: germline. Affected: yes.
Comment: Not observed at significant frequency in large population cohorts (gnomAD); In silico analysis supports that this missense variant does not alter protein structure/function; Has not been previously published as pathogenic or benign to our knowledge

NM_006059.4(LAMC3):c.1346C>T (p.Pro449Leu)

Gene: LAMC3 (laminin subunit gamma 3; plus strand). Cytogenetic location: 9q34.12.
Variant type: single nucleotide variant.
Coding change: c.1346C>T on transcript NM_006059.4 (MANE Select); coding-DNA position 1346, C replaced by T.
Protein change: p.Pro449Leu; replaces proline 449 with leucine.
Molecular consequence: missense variant.
Genome position (GRCh38, 1-based): chr9:131,041,699, C>T. VCF-style: chr9-131041699-C-T. GRCh37 (hg19) VCF-style: chr9-133917086-C-T.
Other names: short protein forms P449L.
Identifiers: ClinVar variation 3343193 (VCV003343193.1).